The following is an entry in ClinVar:

NM_002941.4(ROBO1):c.4462C>G (p.Pro1488Ala)

Gene: ROBO1 (roundabout guidance receptor 1; minus strand). Cytogenetic location: 3p12.3.
Variant type: single nucleotide variant.
Coding change: c.4462C>G on transcript NM_002941.4 (MANE Select); coding-DNA position 4462, C replaced by G.
Protein change: p.Pro1488Ala; replaces proline 1488 with alanine.
Molecular consequence: missense variant.
Genome position (GRCh38, 1-based): chr3:78,607,015, G>C on the plus strand (C>G on the coding strand, the complement: ROBO1 is on the minus strand). VCF-style: chr3-78607015-G-C. GRCh37 (hg19) VCF-style: chr3-78656165-G-C.
Other names: c.4327C>G, p.Pro1443Ala (NM_001145844.1, NM_133631.4); c.4162C>G, p.Pro1388Ala (NM_001145845.2); short protein forms P1443A, P1488A, P1388A.
Identifiers: ClinVar variation 2778875 (VCV002778875.3), dbSNP rs1265012079, ClinGen allele CA353683737.

ClinVar aggregate classification (germline): Uncertain significance (1 of 4 stars; one submission).

Allele frequency attached by ClinVar (database versions not stated): gnomAD exomes below 0.00001.
gnomAD v4.1: 5 of 1,611,838 alleles (0.00031%); highest among the groups gnomAD compares: Non-Finnish European, 0.00042%; no homozygotes.

Submission:

Labcorp Genetics (formerly Invitae), Labcorp
Classification: Uncertain significance. Last evaluated: 2023-10-05. Review status: criteria provided, single submitter. Criteria: Invitae Variant Classification Sherloc (09022015). Collection method: clinical testing. Allele origin: germline.
Comment: This sequence change replaces proline, which is neutral and non-polar, with alanine, which is neutral and non-polar, at codon 1488 of the ROBO1 protein (p.Pro1488Ala). This variant is present in population databases (no rsID available, gnomAD 0.0009%). This variant has not been reported in the literature in individuals affected with ROBO1-related conditions. Advanced modeling of protein sequence and biophysical properties (such as structural, functional, and spatial information, amino acid conservation, physicochemical variation, residue mobility, and thermodynamic stability) performed at Invitae indicates that this missense variant is not expected to disrupt ROBO1 protein function. In summary, the available evidence is currently insufficient to determine the role of this variant in disease. Therefore, it has been classified as a Variant of Uncertain Significance.